The following is an entry in ClinVar:

ClinVar aggregate classification (germline): Uncertain significance (1 of 4 stars; one submission).

Conditions:
EPB41-related disorder. Also called: EPB41-related condition.

Submission:

PreventionGenetics, part of Exact Sciences
Classification: Uncertain significance for EPB41-related condition. Last evaluated: 2023-03-14. Review status: criteria provided, single submitter. Criteria: ACMG Guidelines, 2015. Collection method: clinical testing. Allele origin: germline.
Comment: The EPB41 c.1369C>T variant is predicted to result in the amino acid substitution p.Pro457Ser. To our knowledge, this variant has not been reported in the literature or in a large population database, indicating this variant is rare. At this time, the clinical significance of this variant is uncertain due to the absence of conclusive functional and genetic evidence.

NM_001376013.1(EPB41):c.2095C>T (p.Pro699Ser)

Gene: EPB41 (erythrocyte membrane protein band 4.1; plus strand). Cytogenetic location: 1p35.3.
Variant type: single nucleotide variant.
Coding change: c.2095C>T on transcript NM_001376013.1 (MANE Select); coding-DNA position 2095, C replaced by T.
Protein change: p.Pro699Ser; replaces proline 699 with serine.
Molecular consequence: missense variant.
Genome position (GRCh38, 1-based): chr1:29,065,069, C>T. VCF-style: chr1-29065069-C-T. GRCh37 (hg19) VCF-style: chr1-29391581-C-T.
Other names: c.2095C>T, p.Pro699Ser (NM_001166005.2, NM_001376016.1, NM_001376017.1 and 1 more transcripts); c.2053C>T, p.Pro685Ser (NM_001166006.2); c.1306C>T, p.Pro436Ser (NM_001166007.2, NM_001376027.1); c.1990C>T, p.Pro664Ser (NM_001376014.1, NM_001376015.1); c.2092C>T, p.Pro698Ser (NM_001376018.1, NM_001376020.1); c.1933C>T, p.Pro645Ser (NM_001376021.1); c.1468C>T, p.Pro490Ser (NM_001376022.1, NM_001376023.1, NM_001376024.1 and 1 more transcripts); c.1360C>T, p.Pro454Ser (NM_001376026.1); and 4 more; short protein forms P435S, P436S, P454S, P457S, P476S, P490S, P610S, P645S.
Identifiers: ClinVar variation 2633802 (VCV002633802.1), dbSNP rs2548658985, ClinGen allele CA339527189.
Genomic context (GRCh38, chr1:29,065,069, plus strand): 5'-AAAAAACATCATGCCAGCATCAGTGAGCTGAAAAAGAACTTCATGGAGTCTGTACCAGAA[C>T]CACGGCCTAGTGAATGGGATAAACGCTTATCCACTCACTCACCCTTCCGAACTCTTAACA-3'
Protein context (NP_001362942.1, residues 689-709): KKNFMESVPE[Pro699Ser]RPSEWDKRLS